The following is an entry in ClinVar:

GRCh37/hg19 5q14.3-21.3(chr5:91504101-104858348)x1

Genes: ARB2A (ARB2 cotranscriptional regulator A; minus strand), ARSK (arylsulfatase family member K; plus strand), CAST (calpastatin; plus strand), CHD1 (chromodomain helicase DNA binding protein 1; minus strand), ELL2 (elongation factor for RNA polymerase II 2; minus strand) and 28 more. Cytogenetic location: 5q14.3-21.3.
Variant type: copy number loss.
Change: copy number 1 (one copy instead of two) of chr5:91,504,101-104,858,348 (13.35 Mb, GRCh37 coordinates, 1-based), cytogenetic band 5q14.3-21.3.
Identifiers: ClinVar variation 563091 (VCV000563091.1).

ClinVar aggregate classification (germline): Pathogenic (1 of 4 stars; one submission).

Submission:

Quest Diagnostics Nichols Institute San Juan Capistrano
Classification: Pathogenic. Last evaluated: 2024-05-17. Review status: criteria provided, single submitter. Criteria: ACMG/ClinGen CNV Guidelines, 2019. Collection method: clinical testing. Allele origin: unknown.
Comment: This loss involves multiple protein-coding genes, including NR2F1 (OMIM 132890). Haploinsufficiency of NR2F1 is associated with autosomal dominant Bosch-Boonstra-Schaaf optic atrophy syndrome (BBSOAS; OMIM 615722; Rehm 2015). Intragenic deletions within the current interval have also been reported (Chen 2016). Thus, this copy number variant (CNV) is classified as pathogenic. References: Chen et al., Genet Med. 2016 Nov;18(11):1143-1150. PMID: 26986877; Rehm et al., N Engl J Med. 2015 Jun 4;372(23):2235-42. PMID: 26014595